The following is an entry in ClinVar:

ClinVar aggregate classification (germline): Uncertain significance (1 of 4 stars; one submission).

Conditions:
Pheochromocytoma. Also called: MAX-Related Hereditary Paraganglioma-Pheochromocytoma Syndrome. Identifiers: Orphanet 29072, MedGen C0031511, MONDO:0008233, OMIM 171300, HP:0002666.
Gastrointestinal stromal tumor. Also called: Gastrointestinal stromal tumor, somatic; Gastrointestinal stroma tumor. Identifiers: Orphanet 44890, MedGen C0238198, MeSH D046152, MONDO:0011719, OMIM 606764, HP:0100723.
Pheochromocytoma/paraganglioma syndrome 4. Also called: CAROTID BODY TUMORS AND MULTIPLE EXTRAADRENAL PHEOCHROMOCYTOMAS; PARAGANGLIOMA, FAMILIAL MALIGNANT; PARAGANGLIOMAS, HEREDITARY EXTRAADRENAL; PHEOCHROMOCYTOMA, FAMILIAL EXTRAADRENAL; Paragangliomas 4; SDHB-Related Hereditary Paraganglioma-Pheochromocytoma Syndrome (Paragangliomas 4). Identifiers: Orphanet 29072, MedGen C1861848, MONDO:0007273, OMIM 115310.

Allele frequency attached by ClinVar (database versions not stated): gnomAD exomes below 0.00001.
gnomAD v4.1: 1 of 1,614,156 alleles (0.000062%); highest among the groups gnomAD compares: Non-Finnish European, 0.000085%; no homozygotes.

Submission:

Labcorp Genetics (formerly Invitae), Labcorp
Classification: Uncertain significance for Gastrointestinal stromal tumor; Pheochromocytoma/paraganglioma syndrome 4; Pheochromocytoma. Last evaluated: 2024-01-13. Review status: criteria provided, single submitter. Criteria: Invitae Variant Classification Sherloc (09022015). Collection method: clinical testing. Allele origin: germline.
Comment: This sequence change replaces asparagine, which is neutral and polar, with threonine, which is neutral and polar, at codon 120 of the SDHB protein (p.Asn120Thr). This variant is not present in population databases (gnomAD no frequency). This variant has not been reported in the literature in individuals affected with SDHB-related conditions. Advanced modeling of protein sequence and biophysical properties (such as structural, functional, and spatial information, amino acid conservation, physicochemical variation, residue mobility, and thermodynamic stability) performed at Invitae indicates that this missense variant is not expected to disrupt SDHB protein function with a negative predictive value of 95%. In summary, the available evidence is currently insufficient to determine the role of this variant in disease. Therefore, it has been classified as a Variant of Uncertain Significance.

NM_003000.3(SDHB):c.359A>C (p.Asn120Thr)

Gene: SDHB (succinate dehydrogenase complex iron sulfur subunit B; minus strand). Cytogenetic location: 1p36.13.
Variant type: single nucleotide variant.
Coding change: c.359A>C on transcript NM_003000.3 (MANE Select); coding-DNA position 359, A replaced by C.
Protein change: p.Asn120Thr; replaces asparagine 120 with threonine.
Molecular consequence: missense variant.
Genome position (GRCh38, 1-based): chr1:17,028,664, T>G on the plus strand (A>C on the coding strand, the complement: SDHB is on the minus strand). VCF-style: chr1-17028664-T-G. GRCh37 (hg19) VCF-style: chr1-17355159-T-G.
Other names: c.359A>C, p.Asn120Thr (NM_001407361.1); short protein forms N120T.
Identifiers: ClinVar variation 2922171 (VCV002922171.3), dbSNP rs1553177746, ClinGen allele CA338274515.